The following is an entry in ClinVar:

NM_001035.3(RYR2):c.*509A>G

Gene: RYR2 (ryanodine receptor 2; plus strand). Cytogenetic location: 1q43.
Variant type: single nucleotide variant.
Coding change: c.*509A>G on transcript NM_001035.3 (MANE Select); 509 bases downstream of the stop codon, A replaced by G.
Molecular consequence: 3 prime UTR variant.
Genome position (GRCh38, 1-based): chr1:237,833,156, A>G. VCF-style: chr1-237833156-A-G. GRCh37 (hg19) VCF-style: chr1-237996456-A-G.
Other names: c.*509A>G (LRG_402t1).
Identifiers: ClinVar variation 296784 (VCV000296784.29), dbSNP rs565288028, ClinGen allele CA10610761.

ClinVar aggregate classification (germline): Conflicting classifications of pathogenicity. Review status: criteria provided, conflicting classifications (1 of 4 stars). 3 submissions from 2 submitters: Uncertain significance (2); Benign (1). Last evaluated 2022-10-01.

Conditions:
Catecholaminergic polymorphic ventricular tachycardia 1. Also called: RYR2-Related Catecholaminergic Polymorphic Ventricular Tachycardia; VENTRICULAR TACHYCARDIA, CATECHOLAMINERGIC POLYMORPHIC, 1, WITH OR WITHOUT ATRIAL DYSFUNCTION AND/OR DILATED CARDIOMYOPATHY; VENTRICULAR TACHYCARDIA, STRESS-INDUCED POLYMORPHIC 1. Identifiers: Orphanet 3286, MedGen C1631597, MONDO:0011484, OMIM 604772.
Arrhythmogenic right ventricular dysplasia 2. Identifiers: MedGen C1832931.

Allele frequency attached by ClinVar (database versions not stated): 1000 Genomes Project 0.00020; 1000 Genomes Project 30x 0.00031; gnomAD 0.00100 and 0.00105; TOPMed 0.00109.

Submissions (3):

CeGaT Center for Human Genetics Tuebingen
Classification: Benign. Last evaluated: 2022-10-01. Review status: criteria provided, single submitter. Criteria: CeGaT Center For Human Genetics Tuebingen Variant Classification Criteria Version 2. Collection method: clinical testing. Allele origin: germline. Affected: yes. Observed: 1 variant allele.
Comment: RYR2: BS1, BS2

Illumina Laboratory Services, Illumina
Classification: Uncertain significance for Catecholaminergic polymorphic ventricular tachycardia 1. Last evaluated: 2018-01-13. Review status: criteria provided, single submitter. Criteria: ICSL Variant Classification Criteria 13 December 2019. Collection method: clinical testing. Allele origin: germline.

Illumina Laboratory Services, Illumina
Classification: Uncertain significance for Catecholaminergic polymorphic ventricular tachycardia 1. Last evaluated: 2018-01-13. Review status: criteria provided, single submitter. Criteria: ICSL Variant Classification Criteria 13 December 2019. Collection method: clinical testing. Allele origin: germline.